The following is an entry in ClinVar:

ClinVar aggregate classification (germline): Pathogenic. Review status: criteria provided, multiple submitters, no conflicts (2 of 4 stars). 2 submissions from 2 submitters: Pathogenic (2). Last evaluated 2026-01-27.

Conditions:
Long QT syndrome (LQTS). Identifiers: MedGen C0023976, MeSH D008133, MONDO:0002442. Disease mechanism: loss of function. Inheritance: Various modes of inheritance.

Submissions (2):

Labcorp Genetics (formerly Invitae), Labcorp
Classification: Pathogenic for Long QT syndrome. Last evaluated: 2026-01-27. Review status: criteria provided, single submitter. Criteria: Invitae Variant Classification Sherloc (09022015). Collection method: clinical testing. Allele origin: germline.
Comment: This sequence change creates a premature translational stop signal (p.Cys276Alafs*84) in the KCNH2 gene. It is expected to result in an absent or disrupted protein product. Loss-of-function variants in KCNH2 are known to be pathogenic (PMID: 10973849, 19862833). This variant is not present in population databases (gnomAD no frequency). This premature translational stop signal has been observed in individual(s) with clinical features of KCNH2-related conditions (PMID: 22677073, 23631430). This variant is also known as del823T (C276fsX359). ClinVar contains an entry for this variant (Variation ID: 200606). For these reasons, this variant has been classified as Pathogenic.

GeneDx
Classification: Pathogenic. Last evaluated: 2016-11-21. Review status: criteria provided, single submitter. Criteria: GeneDx Variant Classification (06012015). Collection method: clinical testing. Allele origin: germline. Affected: yes.
Comment: This mutation causes a shift in reading frame starting at codon Cysteine 276, changing it to an Alanine, and creating a premature stop codon at position 84 of the new reading frame, denoted p.Cys276AlafsX84. This mutation is expected to result in either an abnormal, truncated protein product or loss of protein from this allele through nonsense-mediated mRNA decay. Other frameshift mutations in the KCNH2 gene have been reported in association with LQTS.

Literature cited by the submitters: PubMed 10973849 (cited by Labcorp Genetics (formerly Invitae), Labcorp); PubMed 19862833 (cited by Labcorp Genetics (formerly Invitae), Labcorp); PubMed 22677073 (cited by Labcorp Genetics (formerly Invitae), Labcorp); PubMed 23631430 (cited by Labcorp Genetics (formerly Invitae), Labcorp).

NM_000238.4(KCNH2):c.826del (p.Cys276fs)

Gene: KCNH2 (potassium voltage-gated channel subfamily H member 2; minus strand). Cytogenetic location: 7q36.1.
Variant type: Deletion.
Coding change: c.826del on transcript NM_000238.4 (MANE Select); coding-DNA position 826, one base deleted (T; older notation c.826delT).
Protein change: p.Cys276fs; shifts the reading frame from cysteine 276.
Molecular consequence: frameshift variant.
Genome position (GRCh38, 1-based): chr7:150,958,149, A deleted on the plus strand (T on the coding strand, the reverse complement: KCNH2 is on the minus strand). VCF-style (leftmost placement, unchanged base first): chr7-150958148-CA-C. GRCh37 (hg19) VCF-style: chr7-150655236-CA-C.
Other names: c.538delT, p.Cys180Alafs (NM_001406753.1, NM_001406756.1); c.649delT, p.Cys217Alafs (NM_001406755.1); c.526delT, p.Cys176Alafs (NM_001406757.1); c.826delT, p.Cys276Alafs (NM_172056.3); short protein forms C276fs.
Identifiers: ClinVar variation 200606 (VCV000200606.8), dbSNP rs794728422, ClinGen allele CA008861.